The following is an entry in ClinVar:

ClinVar aggregate classification (germline): Uncertain significance (1 of 4 stars; one submission).

Allele frequency attached by ClinVar (database versions not stated): ExAC 0.00002; TOPMed 0.00003; gnomAD 0.00005; ESP Exome Variant Server 0.00015; gnomAD exomes 0.00007.
gnomAD v4.1: 106 of 1,613,762 alleles (0.0066%); highest among the groups gnomAD compares: East Asian, 0.11%; no homozygotes.

Submission:

Labcorp Genetics (formerly Invitae), Labcorp
Classification: Uncertain significance. Last evaluated: 2025-11-12. Review status: criteria provided, single submitter. Criteria: Invitae Variant Classification Sherloc (09022015). Collection method: clinical testing. Allele origin: germline.
Comment: This sequence change replaces asparagine, which is neutral and polar, with serine, which is neutral and polar, at codon 714 of the ADCY10 protein (p.Asn714Ser). This variant is present in population databases (rs151072898, gnomAD 0.01%). This variant has not been reported in the literature in individuals affected with ADCY10-related conditions. ClinVar contains an entry for this variant (Variation ID: 2907520). An algorithm developed to predict the effect of missense changes on protein structure and function outputs the following: PolyPhen-2: "Benign". The serine amino acid residue is found in multiple mammalian species, which suggests that this missense change does not adversely affect protein function. In summary, the available evidence is currently insufficient to determine the role of this variant in disease. Therefore, it has been classified as a Variant of Uncertain Significance.

NM_018417.6(ADCY10):c.2141A>G (p.Asn714Ser)

Gene: ADCY10 (adenylate cyclase 10; minus strand). Cytogenetic location: 1q24.2.
Variant type: single nucleotide variant.
Coding change: c.2141A>G on transcript NM_018417.6 (MANE Select); coding-DNA position 2141, A replaced by G.
Protein change: p.Asn714Ser; replaces asparagine 714 with serine.
Molecular consequence: missense variant.
Genome position (GRCh38, 1-based): chr1:167,856,195, T>C on the plus strand (A>G on the coding strand, the complement: ADCY10 is on the minus strand). VCF-style: chr1-167856195-T-C. GRCh37 (hg19) VCF-style: chr1-167825433-T-C.
Other names: c.1682A>G, p.Asn561Ser (NM_001167749.3); c.1865A>G, p.Asn622Ser (NM_001297772.2); short protein forms N714S, N561S, N622S.
Identifiers: ClinVar variation 2907520 (VCV002907520.3), dbSNP rs151072898, ClinGen allele CA1227732.
Genomic context (GRCh38, chr1:167,856,195, plus strand): 5'-GAGAGTTCAGAATAGAAAGAGGTTACTTACGAGTCCAGTTCTTTGGAGATGCAGCTCACA[T>C]TGAGGTCAAGACAGATCTTGTTGGAGATGTCGTTAGGCTGTACTGCACCAATGACAATGT-3'
Protein context (NP_060887.2, residues 704-724): DISNKICLDL[Asn714Ser]VSCISKELDS